The following is an entry in ClinVar:

NM_001378414.1(HDAC4):c.1673A>G (p.Gln558Arg)

Gene: HDAC4 (histone deacetylase 4; minus strand). Cytogenetic location: 2q37.3.
Variant type: single nucleotide variant.
Coding change: c.1673A>G on transcript NM_001378414.1 (MANE Select); coding-DNA position 1673, A replaced by G.
Protein change: p.Gln558Arg; replaces glutamine 558 with arginine.
Molecular consequence: missense variant.
Genome position (GRCh38, 1-based): chr2:239,115,171, T>C on the plus strand (A>G on the coding strand, the complement: HDAC4 is on the minus strand). VCF-style: chr2-239115171-T-C. GRCh37 (hg19) VCF-style: chr2-240036867-T-C.
Other names: c.1673A>G, p.Gln558Arg (NM_001378415.1); c.1658A>G, p.Gln553Arg (NM_001378416.1, NM_001378417.1, NM_006037.4); short protein forms Q553R, Q558R.
Identifiers: ClinVar variation 3695450 (VCV003695450.2).

ClinVar aggregate classification (germline): Uncertain significance (1 of 4 stars; one submission).

gnomAD v4.1: 1 of 1,611,160 alleles (0.000062%); no homozygotes.

Submission:

Labcorp Genetics (formerly Invitae), Labcorp
Classification: Uncertain significance. Last evaluated: 2025-08-04. Review status: criteria provided, single submitter. Criteria: Invitae Variant Classification Sherloc (09022015). Collection method: clinical testing. Allele origin: germline.
Comment: This sequence change replaces glutamine, which is neutral and polar, with arginine, which is basic and polar, at codon 553 of the HDAC4 protein (p.Gln553Arg). This variant is not present in population databases (gnomAD no frequency). This variant has not been reported in the literature in individuals affected with HDAC4-related conditions. ClinVar contains an entry for this variant (Variation ID: 3695450). An algorithm developed to predict the effect of missense changes on protein structure and function (PolyPhen-2) suggests that this variant is likely to be tolerated. In summary, the available evidence is currently insufficient to determine the role of this variant in disease. Therefore, it has been classified as a Variant of Uncertain Significance.